The following is an entry in ClinVar:

ClinVar aggregate classification (germline): Uncertain significance (1 of 4 stars; one submission).

Conditions:
Cataract 21 multiple types. Also called: CATARACT 21, MULTIPLE TYPES, WITH OR WITHOUT MICROCORNEA; CATARACT 21, CERULEAN, WITH OR WITHOUT MICROCORNEA; CATARACT 21, MULTIPLE TYPES, WITH MICROCORNEA; Cataract, congenital, cerulean type, 4. Identifiers: Orphanet 91492, MedGen C1857768, MONDO:0012437, OMIM 610202.
Ayme-Gripp syndrome. Also called: Aymé-Gripp Syndrome. Identifiers: MedGen C1832812, MONDO:0010992, OMIM 601088.

Submission:

Labcorp Genetics (formerly Invitae), Labcorp
Classification: Uncertain significance for Cataract 21 multiple types; Ayme-Gripp syndrome. Last evaluated: 2023-03-08. Review status: criteria provided, single submitter. Criteria: Invitae Variant Classification Sherloc (09022015). Collection method: clinical testing. Allele origin: germline.
Comment: In summary, the available evidence is currently insufficient to determine the role of this variant in disease. Therefore, it has been classified as a Variant of Uncertain Significance. Advanced modeling of protein sequence and biophysical properties (such as structural, functional, and spatial information, amino acid conservation, physicochemical variation, residue mobility, and thermodynamic stability) performed at Invitae indicates that this missense variant is expected to disrupt MAF protein function. This variant has not been reported in the literature in individuals affected with MAF-related conditions. This variant is not present in population databases (gnomAD no frequency). This sequence change replaces asparagine, which is neutral and polar, with histidine, which is basic and polar, at codon 298 of the MAF protein (p.Asn298His).

NM_005360.5(MAF):c.892A>C (p.Asn298His)

Gene: MAF (MAF bZIP transcription factor; minus strand). Cytogenetic location: 16q23.2.
Variant type: single nucleotide variant.
Coding change: c.892A>C on transcript NM_005360.5 (MANE Select); coding-DNA position 892, A replaced by C.
Protein change: p.Asn298His; replaces asparagine 298 with histidine.
Molecular consequence: missense variant.
Genome position (GRCh38, 1-based): chr16:79,599,011, T>G on the plus strand (A>C on the coding strand, the complement: MAF is on the minus strand). VCF-style: chr16-79599011-T-G. GRCh37 (hg19) VCF-style: chr16-79632908-T-G.
Other names: c.892A>C, p.Asn298His (NM_001031804.3); short protein forms N298H.
Identifiers: ClinVar variation 2932667 (VCV002932667.3), dbSNP rs2507655006, ClinGen allele CA396535012.
Genomic context (GRCh38, chr16:79,599,011, plus strand): 5'-ACTCCAGGACGTGTCTCTGCTGCACCCTCTTGAAGCGGCAGGACTGGGCATAGCCGCGGT[T>G]TTTCAGGGTCCGCCTCTTCTGCTTCAGCCGGATCACCTCCTCCTTGCTGACCCCGCGCAG-3'
Protein context (NP_005351.2, residues 288-308): RLKQKRRTLK[Asn298His]RGYAQSCRFK